The following is an entry in ClinVar:

NM_006073.4(TRDN):c.1952-5T>C

Gene: TRDN (triadin; minus strand). Cytogenetic location: 6q22.31.
Variant type: single nucleotide variant.
Coding change: c.1952-5T>C on transcript NM_006073.4 (MANE Select); 5 bases into the intron before coding-DNA position 1952, T replaced by C.
Molecular consequence: intron variant.
Genome position (GRCh38, 1-based): chr6:123,252,440, A>G on the plus strand (T>C on the coding strand, the complement: TRDN is on the minus strand). VCF-style: chr6-123252440-A-G. GRCh37 (hg19) VCF-style: chr6-123573585-A-G.
Other names: c.1952-5T>C (NM_006073.2).
Identifiers: ClinVar variation 936718 (VCV000936718.14), dbSNP rs780537847, ClinGen allele CA3983673.

ClinVar aggregate classification (germline): Conflicting classifications of pathogenicity. Review status: criteria provided, conflicting classifications (1 of 4 stars). 3 submissions from 3 submitters: Uncertain significance (1); Likely benign (1). 1 of the submissions does not count toward it. Last evaluated 2025-02-13.

Conditions:
Cardiovascular phenotype. Identifiers: MedGen CN230736.
Catecholaminergic polymorphic ventricular tachycardia 1. Also called: RYR2-Related Catecholaminergic Polymorphic Ventricular Tachycardia; VENTRICULAR TACHYCARDIA, CATECHOLAMINERGIC POLYMORPHIC, 1, WITH OR WITHOUT ATRIAL DYSFUNCTION AND/OR DILATED CARDIOMYOPATHY; VENTRICULAR TACHYCARDIA, STRESS-INDUCED POLYMORPHIC 1. Identifiers: Orphanet 3286, MedGen C1631597, MONDO:0011484, OMIM 604772.
TRDN-related disorder. Also called: TRDN-related condition.

Allele frequency attached by ClinVar (database versions not stated): gnomAD exomes below 0.00001 and 0.00002; gnomAD 0.00001; TOPMed 0.00002; ExAC 0.00005.
gnomAD v4.1: 8 of 1,504,362 alleles (0.00053%); highest among the groups gnomAD compares: Non-Finnish European, 0.00073%; no homozygotes.

Submissions (3):

Ambry Genetics
Classification: Uncertain significance for Cardiovascular phenotype. Last evaluated: 2025-02-13. Review status: criteria provided, single submitter. Criteria: Ambry Variant Classification Scheme 2023. Collection method: clinical testing. Allele origin: germline.
Comment: The c.1952-5T>C intronic variant results from a T to C substitution 5 nucleotides upstream from coding exon 38 in the TRDN gene. This nucleotide position is highly conserved in available vertebrate species. In silico splice site analysis predicts that this alteration will not have any significant effect on splicing. Based on the available evidence, the clinical significance of this variant remains unclear.

Labcorp Genetics (formerly Invitae), Labcorp
Classification: Likely benign for Catecholaminergic polymorphic ventricular tachycardia 1. Last evaluated: 2024-08-04. Review status: criteria provided, single submitter. Criteria: Invitae Variant Classification Sherloc (09022015). Collection method: clinical testing. Allele origin: germline.

PreventionGenetics, part of Exact Sciences
Classification: Likely benign for TRDN-related condition. Last evaluated: 2019-07-30. Review status: no assertion criteria provided. Collection method: clinical testing. Allele origin: germline. Not counted in ClinVar's aggregate classification.
Comment: This variant is classified as likely benign based on ACMG/AMP sequence variant interpretation guidelines (Richards et al. 2015 PMID: 25741868, with internal and published modifications).